The following is an entry in ClinVar:

NM_006734.4(HIVEP2):c.6442A>G (p.Arg2148Gly)

Gene: HIVEP2 (HIVEP zinc finger 2; minus strand). Cytogenetic location: 6q24.2.
Variant type: single nucleotide variant.
Coding change: c.6442A>G on transcript NM_006734.4 (MANE Select); coding-DNA position 6442, A replaced by G.
Protein change: p.Arg2148Gly; replaces arginine 2148 with glycine.
Molecular consequence: missense variant.
Genome position (GRCh38, 1-based): chr6:142,759,846, T>C on the plus strand (A>G on the coding strand, the complement: HIVEP2 is on the minus strand). VCF-style: chr6-142759846-T-C. GRCh37 (hg19) VCF-style: chr6-143080983-T-C.
Other names: short protein forms R2148G.
Identifiers: ClinVar variation 2860431 (VCV002860431.3), dbSNP rs2482766276, ClinGen allele CA365886738.

ClinVar aggregate classification (germline): Uncertain significance (1 of 4 stars; one submission).

Submission:

Labcorp Genetics (formerly Invitae), Labcorp
Classification: Uncertain significance. Last evaluated: 2023-09-27. Review status: criteria provided, single submitter. Criteria: Invitae Variant Classification Sherloc (09022015). Collection method: clinical testing. Allele origin: germline.
Comment: An algorithm developed to predict the effect of missense changes on protein structure and function (PolyPhen-2) suggests that this variant is likely to be disruptive. This variant has not been reported in the literature in individuals affected with HIVEP2-related conditions. This variant is not present in population databases (gnomAD no frequency). This sequence change replaces arginine, which is basic and polar, with glycine, which is neutral and non-polar, at codon 2148 of the HIVEP2 protein (p.Arg2148Gly). In summary, the available evidence is currently insufficient to determine the role of this variant in disease. Therefore, it has been classified as a Variant of Uncertain Significance.